The following is an entry in ClinVar:

ClinVar aggregate classification (germline): Likely benign. Review status: criteria provided, single submitter (1 of 4 stars). 2 submissions from 2 submitters: Likely benign (1). 1 of the submissions does not count toward it. Last evaluated 2018-06-06.

Conditions:
PLXNA4-related disorder. Also called: PLXNA4-related condition.

Allele frequency attached by ClinVar (database versions not stated): gnomAD exomes 0.00001; ExAC 0.00002; gnomAD 0.00005; TOPMed 0.00008.
gnomAD v4.1: 14 of 1,613,652 alleles (0.00087%); highest among the groups gnomAD compares: African/African-American, 0.019%; no homozygotes.

Submissions (2):

Labcorp Genetics (formerly Invitae), Labcorp
Classification: Likely benign. Last evaluated: 2018-06-06. Review status: criteria provided, single submitter. Criteria: Invitae Variant Classification Sherloc (09022015). Collection method: clinical testing. Allele origin: germline.

PreventionGenetics, part of Exact Sciences
Classification: Likely benign for PLXNA4-related condition. Last evaluated: 2021-10-25. Review status: no assertion criteria provided. Collection method: clinical testing. Allele origin: germline. Not counted in ClinVar's aggregate classification.
Comment: This variant is classified as likely benign based on ACMG/AMP sequence variant interpretation guidelines (Richards et al. 2015 PMID: 25741868, with internal and published modifications).

NM_020911.2(PLXNA4):c.2382A>C (p.Pro794=)

Gene: PLXNA4 (plexin A4; minus strand). Cytogenetic location: 7q32.3.
Variant type: single nucleotide variant.
Coding change: c.2382A>C on transcript NM_020911.2 (MANE Select); coding-DNA position 2382, A replaced by C.
Protein change: p.Pro794=; no amino-acid change (proline 794 retained).
Molecular consequence: synonymous variant.
Genome position (GRCh38, 1-based): chr7:132,203,336, T>G on the plus strand (A>C on the coding strand, the complement: PLXNA4 is on the minus strand). VCF-style: chr7-132203336-T-G. GRCh37 (hg19) VCF-style: chr7-131888095-T-G.
Other names: c.2382A>C, p.Pro794= (NM_001393897.1).
Identifiers: ClinVar variation 749494 (VCV000749494.4), dbSNP rs755919402, ClinGen allele CA4489810.
Genomic context (GRCh38, chr7:132,203,336, plus strand): 5'-CCCATCCCTTCCCCTCCCTCCCCTGCTAGGCCCCAGCCCTTCCACACCTTTATTCTGAGC[T>G]GGGTTGTCAATGTTGAAGTGCCCATTCCACACGACTGTCAACTCCACGGGCAGGTTGTTG-3'
Protein context (NP_065962.1, residues 784-804): VWNGHFNIDN[Pro794=]AQNKVHLYKC